The following is an entry in ClinVar:

ClinVar aggregate classification (germline): Uncertain significance (1 of 4 stars; one submission).

Submission:

GeneDx
Classification: Uncertain significance. Last evaluated: 2024-12-08. Review status: criteria provided, single submitter. Criteria: GeneDx Variant Classification Process June 2021. Collection method: clinical testing. Allele origin: germline. Affected: yes.
Comment: Not observed at significant frequency in large population cohorts (gnomAD); In silico analysis supports that this missense variant has a deleterious effect on protein structure/function; Has not been previously published as pathogenic or benign to our knowledge

NM_017934.7(PHIP):c.1676A>T (p.His559Leu)

Gene: PHIP (PHIP subunit of CUL4-Ring ligase complex; minus strand). Cytogenetic location: 6q14.1.
Variant type: single nucleotide variant.
Coding change: c.1676A>T on transcript NM_017934.7 (MANE Select); coding-DNA position 1676, A replaced by T.
Protein change: p.His559Leu; replaces histidine 559 with leucine.
Molecular consequence: missense variant.
Genome position (GRCh38, 1-based): chr6:79,002,102, T>A on the plus strand (A>T on the coding strand, the complement: PHIP is on the minus strand). VCF-style: chr6-79002102-T-A. GRCh37 (hg19) VCF-style: chr6-79711819-T-A.
Other names: short protein forms H559L.
Identifiers: ClinVar variation 3901440 (VCV003901440.1).